The following is an entry in ClinVar:

ClinVar aggregate classification (germline): Benign/Likely benign. Review status: criteria provided, multiple submitters, no conflicts (2 of 4 stars). 4 submissions from 4 submitters: Benign (1); Likely benign (2). 1 of the submissions does not count toward it. Last evaluated 2026-02-01.

Conditions:
PDE11A-related disorder. Also called: PDE11A-related condition.

Allele frequency attached by ClinVar (database versions not stated): 1000 Genomes Project 0.00040; 1000 Genomes Project 30x 0.00062; ExAC 0.00210; gnomAD exomes 0.00231 and 0.00480; TOPMed 0.00276; gnomAD 0.00303 and 0.00310; ESP Exome Variant Server 0.00461.
gnomAD v4.1: 7,341 of 1,613,322 alleles (0.46%); highest among the groups gnomAD compares: Non-Finnish European, 0.6%; 17 homozygotes.

Submissions (4):

CeGaT Center for Human Genetics Tuebingen
Classification: Likely benign. Last evaluated: 2026-02-01. Review status: criteria provided, single submitter. Criteria: CeGaT Center For Human Genetics Tuebingen Variant Classification Criteria Version 2. Collection method: clinical testing. Allele origin: germline. Affected: yes. Observed: 1 variant allele.
Comment: PDE11A: BP4, BS2

Blueprint Genetics
Classification: Likely benign. Last evaluated: 2024-11-25. Review status: criteria provided, single submitter. Criteria: ACMG Guidelines, 2015. Collection method: clinical testing. Allele origin: germline.

Labcorp Genetics (formerly Invitae), Labcorp
Classification: Benign. Last evaluated: 2019-12-31. Review status: criteria provided, single submitter. Criteria: Invitae Variant Classification Sherloc (09022015). Collection method: clinical testing. Allele origin: germline.

PreventionGenetics, part of Exact Sciences
Classification: Benign for PDE11A-related condition. Last evaluated: 2019-05-08. Review status: no assertion criteria provided. Collection method: clinical testing. Allele origin: germline. Not counted in ClinVar's aggregate classification.
Comment: This variant is classified as benign based on ACMG/AMP sequence variant interpretation guidelines (Richards et al. 2015 PMID: 25741868, with internal and published modifications).

NM_016953.4(PDE11A):c.799C>T (p.Leu267=)

Gene: PDE11A (phosphodiesterase 11A; minus strand). Cytogenetic location: 2q31.2.
Variant type: single nucleotide variant.
Coding change: c.799C>T on transcript NM_016953.4 (MANE Select); coding-DNA position 799, C replaced by T.
Protein change: p.Leu267=; no amino-acid change (leucine 267 retained).
Molecular consequence: synonymous variant. On other transcripts: intron variant (1).
Genome position (GRCh38, 1-based): chr2:178,071,639, G>A on the plus strand (C>T on the coding strand, the complement: PDE11A is on the minus strand). VCF-style: chr2-178071639-G-A. GRCh37 (hg19) VCF-style: chr2-178936366-G-A.
Other names: c.162+32663C>T (NM_001077197.2).
Identifiers: ClinVar variation 714278 (VCV000714278.11), dbSNP rs79233810, ClinGen allele CA1982193.